The following is an entry in ClinVar:

NM_005327.7(HADH):c.120C>T (p.Ala40=)

Gene: HADH (hydroxyacyl-CoA dehydrogenase; plus strand). Cytogenetic location: 4q25.
Variant type: single nucleotide variant.
Coding change: c.120C>T on transcript NM_005327.7 (MANE Select); coding-DNA position 120, C replaced by T.
Protein change: p.Ala40=; no amino-acid change (alanine 40 retained).
Molecular consequence: synonymous variant.
Genome position (GRCh38, 1-based): chr4:107,990,052, C>T. VCF-style: chr4-107990052-C-T. GRCh37 (hg19) VCF-style: chr4-108911208-C-T.
Other names: c.120C>T, p.Ala40= (NM_001184705.4).
Identifiers: ClinVar variation 2719092 (VCV002719092.23), dbSNP rs900864178, ClinGen allele CA102860983.

ClinVar aggregate classification (germline): Likely benign. Review status: criteria provided, multiple submitters, no conflicts (2 of 4 stars). 2 submissions from 2 submitters: Likely benign (2). Last evaluated 2024-04-01.

Conditions:
Deficiency of 3-hydroxyacyl-CoA dehydrogenase. Also called: 3-hydroxyacyl-CoA dehydrogenase deficiency; HADH DEFICIENCY. Identifiers: Orphanet 309127, Orphanet 71212, MedGen C1291230, MONDO:0017715, OMIM 231530.

Allele frequency attached by ClinVar (database versions not stated): gnomAD 0.00002; TOPMed 0.00002.
gnomAD v4.1: 4 of 1,609,986 alleles (0.00025%); highest among the groups gnomAD compares: African/African-American, 0.0053%; no homozygotes.

Submissions (2):

CeGaT Center for Human Genetics Tuebingen
Classification: Likely benign. Last evaluated: 2024-04-01. Review status: criteria provided, single submitter. Criteria: CeGaT Center For Human Genetics Tuebingen Variant Classification Criteria Version 2. Collection method: clinical testing. Allele origin: germline. Affected: yes. Observed: 1 variant allele.
Comment: HADH: BP4, BP7

Labcorp Genetics (formerly Invitae), Labcorp
Classification: Likely benign for Deficiency of 3-hydroxyacyl-CoA dehydrogenase. Last evaluated: 2023-04-19. Review status: criteria provided, single submitter. Criteria: Invitae Variant Classification Sherloc (09022015). Collection method: clinical testing. Allele origin: germline.